The following is an entry in ClinVar:

ClinVar aggregate classification (germline): Uncertain significance (1 of 4 stars; one submission).

Conditions:
Mucopolysaccharidosis, MPS-III-B (MPS3B). Also called: MPS IIIB (Sanfilippo Syndrome Type B); MUCOPOLYSACCHARIDOSIS, TYPE IIIB; Mucopolysaccharidosis type IIIB (Sanfilippo B); N-ACETYL-ALPHA-D-GLUCOSAMINIDASE DEFICIENCY; NAGLU DEFICIENCY; SANFILIPPO SYNDROME B. Identifiers: Orphanet 79270, MedGen C0086648, MONDO:0009656, OMIM 252920.
Charcot-Marie-Tooth disease axonal type 2V. Also called: CHARCOT-MARIE-TOOTH NEUROPATHY, TYPE 2V; CHARCOT-MARIE-TOOTH DISEASE, AXONAL, AUTOSOMAL DOMINANT, TYPE 2V. Identifiers: Orphanet 447964, MedGen C5569050, MONDO:0014665, OMIM 616491.

Allele frequency attached by ClinVar (database versions not stated): gnomAD exomes below 0.00001.
gnomAD v4.1: 1 of 1,614,170 alleles (0.000062%); highest among the groups gnomAD compares: Non-Finnish European, 0.000085%; no homozygotes.

Submission:

Labcorp Genetics (formerly Invitae), Labcorp
Classification: Uncertain significance for Charcot-Marie-Tooth disease axonal type 2V; Mucopolysaccharidosis, MPS-III-B. Last evaluated: 2021-08-26. Review status: criteria provided, single submitter. Criteria: Invitae Variant Classification Sherloc (09022015). Collection method: clinical testing. Allele origin: germline.
Comment: This sequence change replaces tryptophan with arginine at codon 168 of the NAGLU protein (p.Trp168Arg). The tryptophan residue is moderately conserved and there is a moderate physicochemical difference between tryptophan and arginine. This variant is not present in population databases (ExAC no frequency). This variant has not been reported in the literature in individuals affected with NAGLU-related conditions. Algorithms developed to predict the effect of missense changes on protein structure and function are either unavailable or do not agree on the potential impact of this missense change (SIFT: "Deleterious"; PolyPhen-2: "Possibly Damaging"; Align-GVGD: "Class C0"). In summary, the available evidence is currently insufficient to determine the role of this variant in disease. Therefore, it has been classified as a Variant of Uncertain Significance.

NM_000263.4(NAGLU):c.502T>C (p.Trp168Arg)

Gene: NAGLU (N-acetyl-alpha-glucosaminidase; plus strand). Cytogenetic location: 17q21.2.
Variant type: single nucleotide variant.
Coding change: c.502T>C on transcript NM_000263.4 (MANE Select); coding-DNA position 502, T replaced by C.
Protein change: p.Trp168Arg; replaces tryptophan 168 with arginine.
Molecular consequence: missense variant.
Genome position (GRCh38, 1-based): chr17:42,537,516, T>C. VCF-style: chr17-42537516-T-C. GRCh37 (hg19) VCF-style: chr17-40689534-T-C.
Other names: short protein forms W168R.
Identifiers: ClinVar variation 1004871 (VCV001004871.6), dbSNP rs2092910000, ClinGen allele CA399598246.